The following is an entry in ClinVar:

ClinVar aggregate classification (germline): Conflicting classifications of pathogenicity. Review status: criteria provided, conflicting classifications (1 of 4 stars). 3 submissions from 3 submitters: Uncertain significance (2); Likely benign (1). Last evaluated 2025-09-14.

Conditions:
Mitochondrial DNA depletion syndrome, encephalomyopathic form with methylmalonic aciduria (MTDPS5). Also called: Mitochondrial encephalomyopathy aminoacidopathy; MITOCHONDRIAL DNA DEPLETION SYNDROME, ENCEPHALOMYOPATHIC FORM, WITH OR WITHOUT METHYLMALONIC ACIDURIA, AUTOSOMAL RECESSIVE, SUCLA2-RELATED; Mitochondrial DNA depletion syndrome 5 (encephalomyopathic with or without methylmalonic aciduria); SUCLA2-Related Mitochondrial DNA Depletion Syndrome, Encephalomyopathic Form with Methylmalonic Aciduria. Identifiers: Orphanet 1933, MedGen C5980207, MONDO:0012791, OMIM 612073.

Allele frequency attached by ClinVar (database versions not stated): gnomAD below 0.00001 and 0.00003; TOPMed below 0.00001; gnomAD exomes 0.00013 and 0.00033; 1000 Genomes Project 30x 0.00031; ExAC 0.00038; 1000 Genomes Project 0.00040.

Submissions (3):

Labcorp Genetics (formerly Invitae), Labcorp
Classification: Likely benign for Mitochondrial DNA depletion syndrome, encephalomyopathic form with methylmalonic aciduria. Last evaluated: 2025-09-14. Review status: criteria provided, single submitter. Criteria: Invitae Variant Classification Sherloc (09022015). Collection method: clinical testing. Allele origin: germline.

CeGaT Center for Human Genetics Tuebingen
Classification: Uncertain significance. Last evaluated: 2022-01-01. Review status: criteria provided, single submitter. Criteria: CeGaT Center For Human Genetics Tuebingen Variant Classification Criteria Version 2. Collection method: clinical testing. Allele origin: germline. Affected: yes. Observed: 1 variant allele.

GeneDx
Classification: Uncertain significance. Last evaluated: 2019-04-17. Review status: criteria provided, single submitter. Criteria: GeneDx Variant Classification Process June 2021. Collection method: clinical testing. Allele origin: germline. Affected: yes.
Comment: In silico analysis, which includes protein predictors and evolutionary conservation, supports a deleterious effect; Has not been previously published as pathogenic or benign to our knowledge

NM_003850.3(SUCLA2):c.937G>A (p.Gly313Ser)

Gene: SUCLA2 (succinate-CoA ligase ADP-forming subunit beta; minus strand). Cytogenetic location: 13q14.2.
Variant type: single nucleotide variant.
Coding change: c.937G>A on transcript NM_003850.3 (MANE Select); coding-DNA position 937, G replaced by A.
Protein change: p.Gly313Ser; replaces glycine 313 with serine.
Molecular consequence: missense variant.
Genome position (GRCh38, 1-based): chr13:47,954,423, C>T on the plus strand (G>A on the coding strand, the complement: SUCLA2 is on the minus strand). VCF-style: chr13-47954423-C-T. GRCh37 (hg19) VCF-style: chr13-48528558-C-T.
Other names: p.G313S:GGC>AGC; short protein forms G313S.
Identifiers: ClinVar variation 203957 (VCV000203957.40), dbSNP rs576801606, ClinGen allele CA313022.